The following is an entry in ClinVar:

NM_000038.6(APC):c.5977C>T (p.Pro1993Ser)

Gene: APC (APC regulator of Wnt signaling pathway; plus strand). Cytogenetic location: 5q22.2.
Variant type: single nucleotide variant.
Coding change: c.5977C>T on transcript NM_000038.6 (MANE Select); coding-DNA position 5977, C replaced by T.
Protein change: p.Pro1993Ser; replaces proline 1993 with serine.
Molecular consequence: missense variant.
Genome position (GRCh38, 1-based): chr5:112,841,571, C>T. VCF-style: chr5-112841571-C-T. GRCh37 (hg19) VCF-style: chr5-112177268-C-T.
Other names: c.5977C>T, p.Pro1993Ser (NM_001127510.3, NM_001354895.2); c.5923C>T, p.Pro1975Ser (NM_001127511.3); c.6031C>T, p.Pro2011Ser (NM_001354896.2); c.6007C>T, p.Pro2003Ser (NM_001354897.2); c.5902C>T, p.Pro1968Ser (NM_001354898.2); c.5893C>T, p.Pro1965Ser (NM_001354899.2); c.5854C>T, p.Pro1952Ser (NM_001354900.2); c.5800C>T, p.Pro1934Ser (NM_001354901.2); and 5 more; short protein forms P1975S, P1993S, P1833S, P1892S, P1902S, P1710S, P1867S, P1934S.
Identifiers: ClinVar variation 482516 (VCV000482516.9), dbSNP rs1554087132, ClinGen allele CA16034417.

ClinVar aggregate classification (germline): Uncertain significance. Review status: criteria provided, multiple submitters, no conflicts (2 of 4 stars). 3 submissions from 3 submitters: Uncertain significance (3). Last evaluated 2025-09-03.

Conditions:
Hereditary cancer-predisposing syndrome. Also called: Tumor predisposition; Hereditary Cancer Syndrome; Neoplastic Syndromes, Hereditary; Hereditary neoplastic syndrome. Identifiers: Orphanet 140162, MedGen C0027672, MeSH D009386, MONDO:0015356.
Familial adenomatous polyposis 1 (FAP1). Also called: POLYPOSIS, ADENOMATOUS INTESTINAL; FAMILIAL ADENOMATOUS POLYPOSIS 1, ATTENUATED. Identifiers: MedGen C2713442, MONDO:0021056, OMIM 175100. Disease mechanism: loss of function.

gnomAD v4.1: 1 of 1,613,940 alleles (0.000062%); highest among the groups gnomAD compares: African/African-American, 0.0013%; no homozygotes.

Submissions (3):

Labcorp Genetics (formerly Invitae), Labcorp
Classification: Uncertain significance for Familial adenomatous polyposis 1. Last evaluated: 2025-09-03. Review status: criteria provided, single submitter. Criteria: Invitae Variant Classification Sherloc (09022015). Collection method: clinical testing. Allele origin: germline.
Comment: This sequence change replaces proline, which is neutral and non-polar, with serine, which is neutral and polar, at codon 1993 of the APC protein (p.Pro1993Ser). This variant is not present in population databases (gnomAD no frequency). This variant has not been reported in the literature in individuals affected with APC-related conditions. ClinVar contains an entry for this variant (Variation ID: 482516). Invitae Evidence Modeling of protein sequence and biophysical properties (such as structural, functional, and spatial information, amino acid conservation, physicochemical variation, residue mobility, and thermodynamic stability) indicates that this missense variant is not expected to disrupt APC protein function with a negative predictive value of 95%. In summary, the available evidence is currently insufficient to determine the role of this variant in disease. Therefore, it has been classified as a Variant of Uncertain Significance.

Blueprint Genetics
Classification: Uncertain significance. Last evaluated: 2022-07-19. Review status: criteria provided, single submitter. Criteria: ACMG Guidelines, 2015. Collection method: clinical testing. Allele origin: germline.

Ambry Genetics
Classification: Uncertain significance for Hereditary cancer-predisposing syndrome. Last evaluated: 2021-12-27. Review status: criteria provided, single submitter. Criteria: Ambry Variant Classification Scheme 2023. Collection method: clinical testing. Allele origin: germline.
Comment: The p.P1993S variant (also known as c.5977C>T), located in coding exon 15 of the APC gene, results from a C to T substitution at nucleotide position 5977. The proline at codon 1993 is replaced by serine, an amino acid with similar properties. This amino acid position is not well conserved in available vertebrate species. In addition, in silico predictors for this gene do not accurately predict pathogenicity. Since supporting evidence is limited at this time, the clinical significance of this alteration remains unclear.